The following is an entry in ClinVar:

ClinVar aggregate classification (germline): Uncertain significance (1 of 4 stars; one submission).

Submission:

Labcorp Genetics (formerly Invitae), Labcorp
Classification: Uncertain significance. Last evaluated: 2022-07-16. Review status: criteria provided, single submitter. Criteria: Invitae Variant Classification Sherloc (09022015). Collection method: clinical testing. Allele origin: germline.
Comment: This variant results in the deletion of part of exon 16 (c.1132-20_1155del) of the CAMK2B gene. It is expected to disrupt RNA splicing. Variants that disrupt the donor or acceptor splice site typically lead to a loss of protein function (PMID: 16199547), however the current clinical and genetic evidence is not sufficient to establish whether loss-of-function variants in CAMK2B cause disease. This variant is not present in population databases (gnomAD no frequency). This variant has not been reported in the literature in individuals affected with CAMK2B-related conditions. Algorithms developed to predict the effect of sequence changes on RNA splicing suggest that this variant may disrupt the consensus splice site. In summary, the available evidence is currently insufficient to determine the role of this variant in disease. Therefore, it has been classified as a Variant of Uncertain Significance.

Literature cited by the submitters: PubMed 16199547.

NM_001220.5(CAMK2B):c.1132-20_1155del

Gene: CAMK2B (calcium/calmodulin dependent protein kinase II beta; minus strand). Cytogenetic location: 7p13.
Variant type: Deletion.
Coding change: c.1132-20_1155del on transcript NM_001220.5 (MANE Select); 20 bases into the intron before coding-DNA position 1132 through coding-DNA position 1155, 44 bases deleted.
Molecular consequence: splice acceptor variant. On other transcripts: intron variant (3).
Genome position (GRCh38, 1-based): chr7:44,232,843-44,232,886, 44 bases deleted; deleting any 44 consecutive bases within chr7:44,232,843-44,232,887 gives the same sequence; the c. name uses the placement nearest the transcript's 3' end. GRCh37 (hg19): chr7:44,272,443-44,272,486.
Other names: c.946+7821_946+7864del (NM_172084.3); c.1057-20_1080del (NM_172080.3); c.987+1753_988-1789del (NM_172083.3); c.1059+1504_1059+1547del (NM_172081.3); c.1060-20_1083del (NM_172079.3, NM_172082.3); c.1132-20_1155del (NM_001293170.2, NM_172078.3).
Identifiers: ClinVar variation 2017714 (VCV002017714.4), dbSNP rs2485598793, ClinGen allele CA2580077168.